The following is an entry in ClinVar:

NM_020822.3(KCNT1):c.2235C>G (p.Ser745=)

Gene: KCNT1 (potassium sodium-activated channel subfamily T member 1; plus strand). Cytogenetic location: 9q34.3.
Variant type: single nucleotide variant.
Coding change: c.2235C>G on transcript NM_020822.3 (MANE Select); coding-DNA position 2235, C replaced by G.
Protein change: p.Ser745=; no amino-acid change (serine 745 retained).
Molecular consequence: synonymous variant.
Genome position (GRCh38, 1-based): chr9:135,772,941, C>G. VCF-style: chr9-135772941-C-G. GRCh37 (hg19) VCF-style: chr9-138664787-C-G.
Other names: c.2100C>G, p.Ser700= (NM_001272003.2).
Identifiers: ClinVar variation 513438 (VCV000513438.1), dbSNP rs146810749, ClinGen allele CA467820863.

ClinVar aggregate classification (germline): Likely benign (1 of 4 stars; one submission).

Submission:

GeneDx
Classification: Likely benign. Last evaluated: 2017-11-20. Review status: criteria provided, single submitter. Criteria: GeneDx Variant Classification (06012015). Collection method: clinical testing. Allele origin: germline. Affected: yes.
Comment: This variant is considered likely benign or benign based on one or more of the following criteria: it is a conservative change, it occurs at a poorly conserved position in the protein, it is predicted to be benign by multiple in silico algorithms, and/or has population frequency not consistent with disease.